The following is an entry in ClinVar:

ClinVar aggregate classification (germline): Likely pathogenic (0 of 4 stars; one submission).

Conditions:
ACY1-related disorder. Also called: ACY1-related condition.

Submission:

PreventionGenetics, part of Exact Sciences
Classification: Likely pathogenic for ACY1-related condition. Last evaluated: 2023-12-27. Review status: no assertion criteria provided. Collection method: clinical testing. Allele origin: germline.
Comment: The ACY1 c.517delC variant is predicted to result in a frameshift and premature protein termination (p.Leu173Trpfs*5). To our knowledge, this variant has not been reported in the literature. This variant is reported in 0.0040% of alleles in individuals of African descent in gnomAD. Frameshift variants in ACY1 are expected to be pathogenic. This variant is interpreted as likely pathogenic.

NM_000666.3(ACY1):c.517del (p.Leu173fs)

Genes: ABHD14A-ACY1 (ABHD14A-ACY1 readthrough; plus strand), ACY1 (aminoacylase 1; plus strand). Cytogenetic location: 3p21.2.
Variant type: Deletion.
Coding change: c.517del on transcript NM_000666.3 (MANE Select); coding-DNA position 517, one base deleted (C; older notation c.517delC).
Protein change: p.Leu173fs; shifts the reading frame from leucine 173.
Molecular consequence: frameshift variant. On other transcripts: intron variant (1).
Genome position (GRCh38, 1-based): chr3:51,986,495, C deleted; the last of 3 consecutive C bases (chr3:51,986,493-51,986,495); deleting any one gives the same sequence. VCF-style (leftmost placement, unchanged base first): chr3-51986492-GC-G. GRCh37 (hg19) VCF-style: chr3-52020508-GC-G.
Other names: c.787del, p.Leu263fs (NM_001316331.2); c.517del, p.Leu173fs (NM_001198895.2, NM_001198897.2); c.412del, p.Leu138fs (NM_001198898.2); c.311-110del (NM_001198896.2); short protein forms L138fs, L173fs, L263fs.
Identifiers: ClinVar variation 3033000 (VCV003033000.2), dbSNP rs773182634, ClinGen allele CA2428510.